The following is an entry in ClinVar:

NM_030662.4(MAP2K2):c.192C>T (p.Val64=)

Gene: MAP2K2 (mitogen-activated protein kinase kinase 2; minus strand). Cytogenetic location: 19p13.3.
Variant type: single nucleotide variant.
Coding change: c.192C>T on transcript NM_030662.4 (MANE Select); coding-DNA position 192, C replaced by T.
Protein change: p.Val64=; no amino-acid change (valine 64 retained).
Molecular consequence: synonymous variant.
Genome position (GRCh38, 1-based): chr19:4,117,530, G>A on the plus strand (C>T on the coding strand, the complement: MAP2K2 is on the minus strand). VCF-style: chr19-4117530-G-A. GRCh37 (hg19) VCF-style: chr19-4117528-G-A.
Other names: p.V64V; NM_030662.3(MAP2K2):c.192C>T.
Identifiers: ClinVar variation 40770 (VCV000040770.34), dbSNP rs8157, ClinGen allele CA137916.

ClinVar aggregate classification (germline): Benign. Review status: reviewed by expert panel (3 of 4 stars). 10 submissions from 10 submitters: Benign (1). 9 of the submissions do not count toward it. Last evaluated 2017-05-09.

Conditions:
Cardiovascular phenotype. Identifiers: MedGen CN230736.
Cardiofaciocutaneous syndrome 4 (CFC4). Also called: MAP2K2-Related Cardiofaciocutaneous Syndrome. Identifiers: Orphanet 1340, MedGen C3809007, MONDO:0014114, OMIM 615280.
RASopathy. Also called: rasopathies; Noonan spectrum disorder. Identifiers: Orphanet 536391, MedGen C5555857, MONDO:0021060.

Allele frequency attached by ClinVar (database versions not stated): 1000 Genomes Project 30x 0.05778; 1000 Genomes Project 0.05831; gnomAD exomes 0.05948; TOPMed 0.06140; ExAC 0.06190; ESP Exome Variant Server 0.06312; gnomAD 0.06420 and 0.06496.

Submissions (10):

ClinGen RASopathy Variant Curation Expert Panel
Classification: Benign for Noonan syndrome and Noonan-related syndrome. Last evaluated: 2017-05-09. Review status: reviewed by expert panel. Criteria: ClinGen RASopathy ACMG Specifications v1. Collection method: curation. Allele origin: germline. Inheritance: Autosomal dominant inheritance.
Comment: The filtering allele frequency of the c.192C>T (p.Val64=) variant in the MAP2K2 gene is 7.417% (1283/16512) of South Asian chromosomes by the Exome Aggregation Consortium, which is a high enough frequency to be classified as benign based on thresholds defined by the ClinGen RASopathy Expert Panel (BA1; PMID:29493581)

Labcorp Genetics (formerly Invitae), Labcorp
Classification: Benign for RASopathy. Last evaluated: 2026-02-04. Review status: criteria provided, single submitter. Criteria: Invitae Variant Classification Sherloc (09022015). Collection method: clinical testing. Allele origin: germline. Not counted in ClinVar's aggregate classification.

ARUP Laboratories, Molecular Genetics and Genomics, ARUP Laboratories
Classification: Benign for Cardiofaciocutaneous syndrome 4. Last evaluated: 2025-07-08. Review status: criteria provided, single submitter. Criteria: ARUP Molecular Germline Variant Investigation Process 2024. Collection method: clinical testing. Allele origin: germline. Not counted in ClinVar's aggregate classification.

Blueprint Genetics
Classification: Benign. Last evaluated: 2024-11-28. Review status: criteria provided, single submitter. Criteria: ACMG Guidelines, 2015. Collection method: clinical testing. Allele origin: germline. Not counted in ClinVar's aggregate classification.

Ambry Genetics
Classification: Benign for Cardiovascular phenotype. Last evaluated: 2019-04-17. Review status: criteria provided, single submitter. Criteria: Ambry Variant Classification Scheme 2023. Collection method: clinical testing. Allele origin: germline. Not counted in ClinVar's aggregate classification.

GeneDx
Classification: Benign. Last evaluated: 2015-05-11. Review status: criteria provided, single submitter. Criteria: GeneDx Variant Classification (06012015). Collection method: clinical testing. Allele origin: germline. Affected: yes. Not counted in ClinVar's aggregate classification.
Comment: This variant is considered likely benign or benign based on one or more of the following criteria: it is a conservative change, it occurs at a poorly conserved position in the protein, it is predicted to be benign by multiple in silico algorithms, and/or has population frequency not consistent with disease.

Mayo Clinic Laboratories, Mayo Clinic
Classification: Benign. Last evaluated: 2014-08-06. Review status: criteria provided, single submitter. Criteria: ACMG Guidelines, 2015. Collection method: clinical testing. Allele origin: germline. Observed: 213 variant alleles. Not counted in ClinVar's aggregate classification.

Laboratory for Molecular Medicine, Mass General Brigham Personalized Medicine
Classification: Benign. Last evaluated: 2008-08-18. Review status: criteria provided, single submitter. Criteria: LMM Criteria. Collection method: clinical testing. Allele origin: germline. Observed: 360 variant alleles. Not counted in ClinVar's aggregate classification.

Breakthrough Genomics
Classification: Benign. Review status: criteria provided, single submitter. Criteria: ACMG Guidelines, 2015. Collection method: not provided. Allele origin: germline. Inheritance: Autosomal dominant inheritance. Affected: yes. Not counted in ClinVar's aggregate classification.

PreventionGenetics, part of Exact Sciences
Classification: Benign. Review status: criteria provided, single submitter. Criteria: ACMG Guidelines, 2015. Collection method: clinical testing. Allele origin: germline. Not counted in ClinVar's aggregate classification.